The following is an entry in ClinVar:

ClinVar aggregate classification (germline): Uncertain significance (1 of 4 stars; one submission).

Conditions:
Kufor-Rakeb syndrome (KRS). Also called: PARKINSON DISEASE 9, AUTOSOMAL RECESSIVE, JUVENILE-ONSET. Identifiers: Orphanet 306674, Orphanet 314632, MedGen C1847640, MONDO:0011706, OMIM 606693.
Autosomal recessive spastic paraplegia type 78. Identifiers: Orphanet 513436, MedGen C5567893, MONDO:0014975, OMIM 617225.

Allele frequency attached by ClinVar (database versions not stated): gnomAD exomes below 0.00001; TOPMed below 0.00001; ExAC 0.00001; gnomAD 0.00003; 1000 Genomes Project 0.00020; 1000 Genomes Project 30x 0.00031.
gnomAD v4.1: 6 of 1,614,138 alleles (0.00037%); highest among the groups gnomAD compares: African/African-American, 0.0053%; no homozygotes.

Submission:

Labcorp Genetics (formerly Invitae), Labcorp
Classification: Uncertain significance for Kufor-Rakeb syndrome; Autosomal recessive spastic paraplegia type 78. Last evaluated: 2022-08-20. Review status: criteria provided, single submitter. Criteria: Invitae Variant Classification Sherloc (09022015). Collection method: clinical testing. Allele origin: germline.
Comment: This sequence change replaces valine, which is neutral and non-polar, with leucine, which is neutral and non-polar, at codon 712 of the ATP13A2 protein (p.Val712Leu). This variant is present in population databases (rs201038868, gnomAD 0.004%). This variant has not been reported in the literature in individuals affected with ATP13A2-related conditions. Advanced modeling of protein sequence and biophysical properties (such as structural, functional, and spatial information, amino acid conservation, physicochemical variation, residue mobility, and thermodynamic stability) performed at Invitae indicates that this missense variant is not expected to disrupt ATP13A2 protein function. In summary, the available evidence is currently insufficient to determine the role of this variant in disease. Therefore, it has been classified as a Variant of Uncertain Significance.

NM_022089.4(ATP13A2):c.2134G>C (p.Val712Leu)

Gene: ATP13A2 (ATPase cation transporting 13A2; minus strand). Cytogenetic location: 1p36.13.
Variant type: single nucleotide variant.
Coding change: c.2134G>C on transcript NM_022089.4 (MANE Select); coding-DNA position 2134, G replaced by C.
Protein change: p.Val712Leu; replaces valine 712 with leucine.
Molecular consequence: missense variant.
Genome position (GRCh38, 1-based): chr1:16,991,851, C>G on the plus strand (G>C on the coding strand, the complement: ATP13A2 is on the minus strand). VCF-style: chr1-16991851-C-G. GRCh37 (hg19) VCF-style: chr1-17318346-C-G.
Other names: c.2119G>C, p.Val707Leu (NM_001141973.3, NM_001141974.3); short protein forms V707L, V712L.
Identifiers: ClinVar variation 2199760 (VCV002199760.1), dbSNP rs201038868, ClinGen allele CA636953.